The following is an entry in ClinVar:

NM_000709.4(BCKDHA):c.773_774delinsAA (p.Cys258Ter)

Gene: BCKDHA (branched chain keto acid dehydrogenase E1 subunit alpha; plus strand). Cytogenetic location: 19q13.2.
Variant type: Indel.
Coding change: c.773_774delinsAA on transcript NM_000709.4 (MANE Select); coding-DNA positions 773 to 774, GC replaced by AA.
Protein change: p.Cys258Ter; replaces cysteine 258 with a stop codon.
Molecular consequence: nonsense.
Genome position (GRCh38, 1-based): chr19:41,422,290-41,422,291, GC replaced by AA. VCF-style: chr19-41422290-GC-AA. GRCh37 (hg19) VCF-style: chr19-41928195-GC-AA.
Other names: c.773_774delinsAA, p.Cys258Ter (NM_001164783.2); short protein forms C258*.
Identifiers: ClinVar variation 1325805 (VCV001325805.34), dbSNP rs2122143379, ClinGen allele CA2573054776.

ClinVar aggregate classification (germline): Pathogenic/Likely pathogenic. Review status: criteria provided, multiple submitters, no conflicts (2 of 4 stars). 5 submissions from 4 submitters: Pathogenic (4); Likely pathogenic (1). Last evaluated 2026-03-02.

Conditions:
Maple syrup urine disease (MSUD). Identifiers: Orphanet 511, MedGen C0024776, MeSH D008375, MONDO:0009563. Disease mechanism: loss of function.
Maple syrup urine disease type 1A (MSUD1A). Also called: MSUD type 1A. Identifiers: MedGen C1855369, MONDO:0023691, OMIM 248600.

Submissions (5):

Institute of Human Genetics, University of Leipzig Medical Center
Classification: Pathogenic for Maple syrup urine disease type 1A. Last evaluated: 2026-03-02. Review status: criteria provided, single submitter. Criteria: ACMG Guidelines, 2015. Collection method: clinical testing. Allele origin: unknown. Inheritance: Autosomal recessive inheritance. Affected: yes.
Comment: Criteria applied: PVS1,PM2,PM3

Department of Human Genetics, Hannover Medical School
Classification: Pathogenic for Maple syrup urine disease type 1A. Last evaluated: 2023-04-14. Review status: criteria provided, single submitter. Criteria: ACMG Guidelines, 2015. Collection method: clinical testing. Allele origin: germline. Inheritance: Autosomal recessive inheritance. Affected: yes.

CeGaT Center for Human Genetics Tuebingen
Classification: Pathogenic. Last evaluated: 2023-01-01. Review status: criteria provided, single submitter. Criteria: CeGaT Center For Human Genetics Tuebingen Variant Classification Criteria Version 2. Collection method: clinical testing. Allele origin: germline. Affected: yes. Observed: 1 variant allele.
Comment: BCKDHA: PVS1, PM2, PM3

Revvity Omics, Revvity
Classification: Likely pathogenic for Maple syrup urine disease type 1A. Last evaluated: 2022-02-10. Review status: criteria provided, single submitter. Criteria: ACMG Guidelines, 2015. Collection method: clinical testing. Allele origin: germline.

Institute of Human Genetics, University of Leipzig Medical Center
Classification: Pathogenic for Maple syrup urine disease type 1A. Last evaluated: 2021-10-28. Review status: criteria provided, single submitter. Criteria: ACMG Guidelines, 2015. Collection method: clinical testing. Allele origin: unknown. Affected: no.